The following is an entry in ClinVar:

ClinVar aggregate classification (germline): Pathogenic (1 of 4 stars; one submission).

Conditions:
Hereditary breast ovarian cancer syndrome. Also called: Hereditary breast and ovarian cancer syndrome (HBOC); Hereditary breast and ovarian cancer syndrome; Breast and ovarian cancer; Hereditary breast and/or ovarian cancer syndrome; Hereditary breast and ovarian cancer; BRCA1- and BRCA2-Associated Hereditary Breast and Ovarian Cancer. Identifiers: Orphanet 145, MedGen C0677776, MeSH D061325, MONDO:0003582. Disease mechanism: loss of function.

Submission:

Labcorp Genetics (formerly Invitae), Labcorp
Classification: Pathogenic for Hereditary breast ovarian cancer syndrome. Last evaluated: 2017-08-23. Review status: criteria provided, single submitter. Criteria: Invitae Variant Classification Sherloc (09022015). Collection method: clinical testing. Allele origin: germline.
Comment: This variant is an out-of-frame deletion of the genomic region encompassing exons 5-7 of the BRCA2 gene. This creates a premature translational stop signal and is expected to result in an absent or disrupted protein product. This variant has not been reported in the literature in individuals with BRCA2-related disease. Loss-of-function variants in BRCA2 are known to be pathogenic (PMID: 20104584). For these reasons, this variant has been classified as Pathogenic.

NC_000013.11:g.(?_32326095)_(32326619_?)del

Gene: BRCA2 (BRCA2 DNA repair associated; plus strand). Cytogenetic location: 13q13.1.
Variant type: Deletion.
Identifiers: ClinVar variation 462161 (VCV000462161.1).